The following is an entry in ClinVar:

ClinVar aggregate classification (germline): Uncertain significance (1 of 4 stars; one submission).

Conditions:
Parathyroid carcinoma (PRTC). Also called: Parathyroid gland carcinoma; CDC73-Related Parathyroid Carcinoma. Identifiers: Orphanet 143, MedGen C0687150, MONDO:0012004, OMIM 608266, HP:0006780.

Submission:

Labcorp Genetics (formerly Invitae), Labcorp
Classification: Uncertain significance for Parathyroid carcinoma. Last evaluated: 2022-10-01. Review status: criteria provided, single submitter. Criteria: Invitae Variant Classification Sherloc (09022015). Collection method: clinical testing. Allele origin: germline.
Comment: This variant has not been reported in the literature in individuals affected with CDC73-related conditions. This variant is not present in population databases (gnomAD no frequency). This sequence change replaces lysine, which is basic and polar, with asparagine, which is neutral and polar, at codon 16 of the CDC73 protein (p.Lys16Asn). Advanced modeling of protein sequence and biophysical properties (such as structural, functional, and spatial information, amino acid conservation, physicochemical variation, residue mobility, and thermodynamic stability) performed at Invitae indicates that this missense variant is expected to disrupt CDC73 protein function. In summary, the available evidence is currently insufficient to determine the role of this variant in disease. Therefore, it has been classified as a Variant of Uncertain Significance.

NM_024529.5(CDC73):c.48G>T (p.Lys16Asn)

Gene: CDC73 (cell division cycle 73; plus strand). Cytogenetic location: 1q31.2.
Variant type: single nucleotide variant.
Coding change: c.48G>T on transcript NM_024529.5 (MANE Select); coding-DNA position 48, G replaced by T.
Protein change: p.Lys16Asn; replaces lysine 16 with asparagine.
Molecular consequence: missense variant.
Genome position (GRCh38, 1-based): chr1:193,122,248, G>T. VCF-style: chr1-193122248-G-T. GRCh37 (hg19) VCF-style: chr1-193091378-G-T.
Other names: short protein forms K16N.
Identifiers: ClinVar variation 1720638 (VCV001720638.6), dbSNP rs2103111654, ClinGen allele CA343972827.